The following is an entry in ClinVar:

NM_000138.5(FBN1):c.5678A>G (p.Asn1893Ser)

Gene: FBN1 (fibrillin 1; minus strand). Cytogenetic location: 15q21.1.
Variant type: single nucleotide variant.
Coding change: c.5678A>G on transcript NM_000138.5 (MANE Select); coding-DNA position 5678, A replaced by G.
Protein change: p.Asn1893Ser; replaces asparagine 1893 with serine.
Molecular consequence: missense variant.
Genome position (GRCh38, 1-based): chr15:48,446,816, T>C on the plus strand (A>G on the coding strand, the complement: FBN1 is on the minus strand). VCF-style: chr15-48446816-T-C. GRCh37 (hg19) VCF-style: chr15-48739013-T-C.
Other names: short protein forms N1893S.
Identifiers: ClinVar variation 684598 (VCV000684598.7), dbSNP rs1597533707, ClinGen allele CA392341445.
Genomic context (GRCh38, chr15:48,446,816, plus strand): 5'-TTGAAGGAACCAATTGTGTTCCGGCAAGTTCCATTCCCACAGGCATCTCTTTCACATTCA[T>C]TTATGTCTAGTAGGAAGAAAGGCCATAAAGAAACATAATTATAAGTAGAAAAAGTGGTTA-3'
Protein context (NP_000129.3, residues 1883-1903): NDDQTMCLDI[Asn1893Ser]ECERDACGNG

ClinVar aggregate classification (germline): Likely pathogenic. Review status: criteria provided, multiple submitters, no conflicts (2 of 4 stars). 4 submissions from 4 submitters: Likely pathogenic (3). 1 of the submissions does not count toward it. Last evaluated 2025-06-05.

Conditions:
Thoracic aortic aneurysm or dissection.
Marfan syndrome (MFS). Also called: MARFAN SYNDROME, TYPE I; FBN1-Related Marfan Syndrome; Marfan syndrome type 1; Marfan's syndrome; Marfan syndrome, classic. Identifiers: Orphanet 284963, Orphanet 558, MedGen C0024796, MONDO:0007947, OMIM 154700.
Familial thoracic aortic aneurysm and aortic dissection (TAAD). Also called: Thoracic aortic aneurysms and dissections. Identifiers: Orphanet 91387, MedGen C4707243, MONDO:0019625.
FBN1-related disorder. Also called: FBN1-related disorders.

Allele frequency attached by ClinVar (database versions not stated): gnomAD exomes below 0.00001.
gnomAD v4.1: 1 of 1,601,730 alleles (0.000062%); highest among the groups gnomAD compares: Non-Finnish European, 0.000086%; no homozygotes.

Submissions (4):

NHS Central & South Genomic Laboratory Hub
Classification: Likely pathogenic for Thoracic aortic aneurysm or dissection. Last evaluated: 2025-06-05. Review status: criteria provided, single submitter. Criteria: ACMG Guidelines, 2015. Collection method: clinical testing. Allele origin: germline. Affected: yes.

Blueprint Genetics
Classification: Likely pathogenic for FBN1-related disorders. Last evaluated: 2023-11-23. Review status: criteria provided, single submitter. Criteria: ACMG Guidelines, 2015. Collection method: clinical testing. Allele origin: germline. Affected: yes. Observed: 1 variant allele.

Labcorp Genetics (formerly Invitae), Labcorp
Classification: Likely pathogenic for Marfan syndrome; Familial thoracic aortic aneurysm and aortic dissection. Last evaluated: 2022-11-29. Review status: criteria provided, single submitter. Criteria: Invitae Variant Classification Sherloc (09022015). Collection method: clinical testing. Allele origin: germline.
Comment: This variant disrupts the p.Asn1893 amino acid residue in FBN1. Other variant(s) that disrupt this residue have been observed in individuals with FBN1-related conditions (PMID: 9338581), which suggests that this may be a clinically significant amino acid residue. In summary, the currently available evidence indicates that the variant is pathogenic, but additional data are needed to prove that conclusively. Therefore, this variant has been classified as Likely Pathogenic. Advanced modeling of protein sequence and biophysical properties (such as structural, functional, and spatial information, amino acid conservation, physicochemical variation, residue mobility, and thermodynamic stability) performed at Invitae indicates that this missense variant is expected to disrupt FBN1 protein function. ClinVar contains an entry for this variant (Variation ID: 684598). This missense change has been observed in individual(s) with Marfan syndrome (PMID: 31730815). This variant is not present in population databases (gnomAD no frequency). This sequence change replaces asparagine, which is neutral and polar, with serine, which is neutral and polar, at codon 1893 of the FBN1 protein (p.Asn1893Ser).

Sangiuolo Lab - Medical Genetics Laboratory, Tor Vergata University
Classification: Likely pathogenic for Marfan syndrome. Last evaluated: 2019-06-06. Review status: no assertion criteria provided. Collection method: clinical testing. Allele origin: germline. Affected: yes. Not counted in ClinVar's aggregate classification.

Literature cited by the submitters: PubMed 9338581 (cited by Labcorp Genetics (formerly Invitae), Labcorp); PubMed 31730815 (cited by Labcorp Genetics (formerly Invitae), Labcorp and Sangiuolo Lab - Medical Genetics Laboratory, Tor Vergata University).